The following is an entry in ClinVar:

NM_001242896.3(DEPDC5):c.2446C>T (p.Gln816Ter)

Gene: DEPDC5 (DEP domain containing 5, GATOR1 subcomplex subunit; plus strand). Cytogenetic location: 22q12.3.
Variant type: single nucleotide variant.
Coding change: c.2446C>T on transcript NM_001242896.3 (MANE Select); coding-DNA position 2446, C replaced by T.
Protein change: p.Gln816Ter; replaces glutamine 816 with a stop codon.
Molecular consequence: nonsense. On other transcripts: non-coding transcript variant (5).
Genome position (GRCh38, 1-based): chr22:31,838,776, C>T. VCF-style: chr22-31838776-C-T. GRCh37 (hg19) VCF-style: chr22-32234762-C-T.
Other names: c.2419C>T, p.Gln807Ter (NM_001136029.4, NM_001369903.1, NM_014662.6); c.2212C>T, p.Gln738Ter (NM_001242897.2, NM_001363854.2, NM_001364319.2); c.2446C>T, p.Gln816Ter (NM_001363852.2, NM_001364318.2, NM_001364320.2); c.2362C>T, p.Gln788Ter (NM_001369901.1, NM_001369902.1); c.2446C>T (NM_001242896.1); short protein forms Q738*, Q788*, Q807*, Q816*.
Identifiers: ClinVar variation 1327134 (VCV001327134.4), dbSNP rs2148968418, ClinGen allele CA411286825.
Genomic context (GRCh38, chr22:31,838,776, plus strand): 5'-CAGCAGGTATTTGAAGAGTTTATTTGCCAACGTCTCATGCAGGGCTACCAAATCATAGTG[C>T]AGCCCAAGACACAGAAACCCAATCCTGCTGTCCCGCCCCCGCTGAGCAGTAGCCCACTCT-3'

ClinVar aggregate classification (germline): Pathogenic/Likely pathogenic. Review status: criteria provided, multiple submitters, no conflicts (2 of 4 stars). 2 submissions from 2 submitters: Pathogenic (1); Likely pathogenic (1). Last evaluated 2024-04-23.

Conditions:
SUDDEN INFANT DEATH SYNDROME (SIDS). Also called: Sudden Infant Death. Identifiers: MedGen C0038644, MeSH D013398, OMIM 272120.

Submissions (2):

GeneDx
Classification: Pathogenic. Last evaluated: 2024-04-23. Review status: criteria provided, single submitter. Criteria: GeneDx Variant Classification Process June 2021. Collection method: clinical testing. Allele origin: germline.
Comment: Not observed at significant frequency in large population cohorts (gnomAD); Nonsense variant predicted to result in protein truncation or nonsense mediated decay in a gene for which loss of function is a known mechanism of disease; This variant is associated with the following publications: (PMID: 35027292)

Robert's Program, Boston Children's Hospital
Classification: Likely pathogenic for SUDDEN INFANT DEATH SYNDROME. Last evaluated: 2021-10-01. Review status: criteria provided, single submitter. Criteria: ACMG Guidelines, 2015. Collection method: research. Allele origin: germline. Affected: yes.
Comment: We classify this variant as pathogenic using the following ACMG/AMP criteria: PVS1, PM2